The following is an entry in ClinVar:

ClinVar aggregate classification (germline): Likely benign (0 of 4 stars; one submission).

Conditions:
F10-related disorder. Also called: F10-related condition.

Allele frequency attached by ClinVar (database versions not stated): gnomAD 0.00002; gnomAD exomes 0.00002; ExAC 0.00003; TOPMed 0.00003.
gnomAD v4.1: 35 of 1,613,416 alleles (0.0022%); highest among the groups gnomAD compares: Non-Finnish European, 0.0026%; no homozygotes.

Submission:

PreventionGenetics, part of Exact Sciences
Classification: Likely benign for F10-related condition. Last evaluated: 2021-03-25. Review status: no assertion criteria provided. Collection method: clinical testing. Allele origin: germline.
Comment: This variant is classified as likely benign based on ACMG/AMP sequence variant interpretation guidelines (Richards et al. 2015 PMID: 25741868, with internal and published modifications).

NM_000504.4(F10):c.777T>C (p.Gly259=)

Genes: F10 (coagulation factor X; plus strand), F10-AS2 (F10 antisense RNA 2; minus strand). Cytogenetic location: 13q34.
Variant type: single nucleotide variant.
Coding change: c.777T>C on transcript NM_000504.4 (MANE Select); coding-DNA position 777, T replaced by C.
Protein change: p.Gly259=; no amino-acid change (glycine 259 retained).
Molecular consequence: synonymous variant.
Genome position (GRCh38, 1-based): chr13:113,147,408, T>C. VCF-style: chr13-113147408-T-C. GRCh37 (hg19) VCF-style: chr13-113801722-T-C.
Other names: c.645T>C, p.Gly215= (NM_001312674.2); c.777T>C, p.Gly259= (NM_001312675.2).
Identifiers: ClinVar variation 3036343 (VCV003036343.2), dbSNP rs779364845, ClinGen allele CA7060586.